The following is an entry in ClinVar:

NM_001042492.3(NF1):c.4118G>A (p.Cys1373Tyr)

Gene: NF1 (neurofibromin 1; plus strand). Cytogenetic location: 17q11.2.
Variant type: single nucleotide variant.
Coding change: c.4118G>A on transcript NM_001042492.3 (MANE Select); coding-DNA position 4118, G replaced by A.
Protein change: p.Cys1373Tyr; replaces cysteine 1373 with tyrosine.
Molecular consequence: missense variant. On other transcripts: intron variant (1).
Genome position (GRCh38, 1-based): chr17:31,252,945, G>A. VCF-style: chr17-31252945-G-A. GRCh37 (hg19) VCF-style: chr17-29579963-G-A.
Other names: c.4110+3826G>A (NM_000267.4); short protein forms C1373Y.
Identifiers: ClinVar variation 186488 (VCV000186488.2), dbSNP rs786202990, ClinGen allele CA194963.

ClinVar aggregate classification (germline): Uncertain significance (1 of 4 stars; one submission).

Conditions:
Hereditary cancer-predisposing syndrome. Also called: Neoplastic Syndromes, Hereditary; Tumor predisposition; Hereditary Cancer Syndrome; Hereditary neoplastic syndrome. Identifiers: Orphanet 140162, MedGen C0027672, MeSH D009386, MONDO:0015356.

Allele frequency attached by ClinVar (database versions not stated): gnomAD 0.00001; TOPMed 0.00001.
gnomAD v4.1: 2 of 1,613,346 alleles (0.00012%); highest among the groups gnomAD compares: African/African-American, 0.0013%; no homozygotes.

Submission:

Ambry Genetics
Classification: Uncertain significance for Hereditary cancer-predisposing syndrome. Last evaluated: 2014-10-10. Review status: criteria provided, single submitter. Criteria: Ambry Autosomal Dominant and X-Linked criteria (10/2015). Collection method: clinical testing. Allele origin: germline. Observed: 1 variant allele.
Comment: Insufficient or conflicting evidence;In silico models in agreement (deleterious) and/or completely conserved position in appropriate species;Rarity in general population databases (dbsnp, esp, 1000 genomes)